The following is an entry in ClinVar:

ClinVar aggregate classification (germline): Uncertain significance. Review status: criteria provided, multiple submitters, no conflicts (2 of 4 stars). 2 submissions from 2 submitters: Uncertain significance (2). Last evaluated 2026-03-14.

Conditions:
Hereditary cancer-predisposing syndrome. Also called: Neoplastic Syndromes, Hereditary; Tumor predisposition; Hereditary neoplastic syndrome; Hereditary Cancer Syndrome. Identifiers: Orphanet 140162, MedGen C0027672, MeSH D009386, MONDO:0015356.

gnomAD v4.1: 1 of 1,613,430 alleles (0.000062%); highest among the groups gnomAD compares: Admixed American, 0.0017%; no homozygotes.

Submissions (2):

Ambry Genetics
Classification: Uncertain significance for Hereditary cancer-predisposing syndrome. Last evaluated: 2026-03-14. Review status: criteria provided, single submitter. Criteria: Ambry Variant Classification Scheme 2023. Collection method: clinical testing. Allele origin: germline.
Comment: The p.I175T variant (also known as c.524T>C), located in coding exon 6 of the RAD51D gene, results from a T to C substitution at nucleotide position 524. The isoleucine at codon 175 is replaced by threonine, an amino acid with similar properties. This amino acid position is conserved. In addition, this alteration is predicted to be deleterious by in silico analysis. Based on the available evidence, the clinical significance of this variant remains unclear.

Color Diagnostics, LLC DBA Color Health
Classification: Uncertain significance for Hereditary cancer-predisposing syndrome. Last evaluated: 2024-05-13. Review status: criteria provided, single submitter. Criteria: ACMG Guidelines, 2015. Collection method: clinical testing. Allele origin: germline.
Comment: This missense variant replaces isoleucine with threonine at codon 175 of the RAD51D protein. Computational prediction suggests that this variant may not impact protein structure and function (internally defined REVEL score threshold <= 0.5, PMID: 27666373). To our knowledge, functional studies have not been reported for this variant. This variant has not been reported in individuals affected with RAD51D-related disorders in the literature. This variant has been identified in 1/249628 chromosomes in the general population by the Genome Aggregation Database (gnomAD). The available evidence is insufficient to determine the role of this variant in disease conclusively. Therefore, this variant is classified as a Variant of Uncertain Significance.

NM_002878.4(RAD51D):c.524T>C (p.Ile175Thr)

Genes: RAD51D (RAD51 paralog D; minus strand), RAD51L3-RFFL (RAD51L3-RFFL readthrough; minus strand). Cytogenetic location: 17q12.
Variant type: single nucleotide variant.
Coding change: c.524T>C on transcript NM_002878.4 (MANE Select); coding-DNA position 524, T replaced by C.
Protein change: p.Ile175Thr; replaces isoleucine 175 with threonine.
Molecular consequence: missense variant. On other transcripts: non-coding transcript variant (3).
Genome position (GRCh38, 1-based): chr17:35,106,438, A>G on the plus strand (T>C on the coding strand, the complement: RAD51D is on the minus strand). VCF-style: chr17-35106438-A-G. GRCh37 (hg19) VCF-style: chr17-33433457-A-G.
Other names: c.584T>C, p.Ile195Thr (NM_001142571.2); c.188T>C, p.Ile63Thr (NM_133629.3); short protein forms I175T, I195T, I63T.
Identifiers: ClinVar variation 3893842 (VCV003893842.2).
Genomic context (GRCh38, chr17:35,106,438, plus strand): 5'-AGGCTCACCTGCTGGGCCACAGTGCCTCGGAGCTCCTGCAGCACATCCAGCATCTGGAAG[A>G]TGTCAAATGCATGCACCACCTGGATCCTCCGGAGAGCTTCTGCCTGAAGCGGTGGAAAAG-3'
Protein context (NP_002869.3, residues 165-185): RRIQVVHAFD[Ile175Thr]FQMLDVLQEL